The following is an entry in ClinVar:

ClinVar aggregate classification (germline): Uncertain significance (1 of 4 stars; one submission).

Conditions:
Alstrom syndrome (ALMS). Identifiers: Orphanet 64, MedGen C0268425, MONDO:0008763, OMIM 203800.

Submission:

Labcorp Genetics (formerly Invitae), Labcorp
Classification: Uncertain significance for Alstrom syndrome. Last evaluated: 2022-07-04. Review status: criteria provided, single submitter. Criteria: Invitae Variant Classification Sherloc (09022015). Collection method: clinical testing. Allele origin: germline.
Comment: This sequence change replaces lysine, which is basic and polar, with threonine, which is neutral and polar, at codon 3043 of the ALMS1 protein (p.Lys3043Thr). This variant is not present in population databases (gnomAD no frequency). This variant has not been reported in the literature in individuals affected with ALMS1-related conditions. Experimental studies and prediction algorithms are not available or were not evaluated, and the functional significance of this variant is currently unknown. In summary, the available evidence is currently insufficient to determine the role of this variant in disease. Therefore, it has been classified as a Variant of Uncertain Significance.

NM_001378454.1(ALMS1):c.9125A>C (p.Lys3042Thr)

Gene: ALMS1 (ALMS1 centrosome and basal body associated protein; plus strand). Cytogenetic location: 2p13.1.
Variant type: single nucleotide variant.
Coding change: c.9125A>C on transcript NM_001378454.1 (MANE Select); coding-DNA position 9125, A replaced by C.
Protein change: p.Lys3042Thr; replaces lysine 3042 with threonine.
Molecular consequence: missense variant.
Genome position (GRCh38, 1-based): chr2:73,491,084, A>C. VCF-style: chr2-73491084-A-C. GRCh37 (hg19) VCF-style: chr2-73718211-A-C.
Other names: c.9128A>C, p.Lys3043Thr (NM_015120.4); short protein forms K3043T, K3042T.
Identifiers: ClinVar variation 2013920 (VCV002013920.4), dbSNP rs2466219405, ClinGen allele CA347273174.
Genomic context (GRCh38, chr2:73,491,084, plus strand): 5'-AGTCAGCCCCAAATCACTGTACATTAGCAGCATCTGCATCTACTCCTCCTTCAAATAGAA[A>C]AGCACTTTCTTGTGTTCATATAACTCTTTGTCCCAAGACTTCTTCCAAGTTGGATAGTGG-3'
Protein context (NP_001365383.1, residues 3032-3052): ASASTPPSNR[Lys3042Thr]ALSCVHITLC